The following is an entry in ClinVar:

ClinVar aggregate classification (germline): Conflicting classifications of pathogenicity. Review status: criteria provided, conflicting classifications (1 of 4 stars). 2 submissions from 2 submitters: Uncertain significance (1); Likely benign (1). Last evaluated 2026-01-07.

Conditions:
Progressive myoclonic epilepsy. Also called: Familial progressive myoclonic epilepsy; Progressive myoclonus epilepsy; Myoclonic Epilepsies, Progressive; Myoclonus epilepsy. Identifiers: Orphanet 308, Orphanet 98261, MedGen C0751778, MONDO:0020074.
Inborn genetic diseases. Identifiers: MedGen C0950123, MeSH D030342.

Allele frequency attached by ClinVar (database versions not stated): TOPMed 0.00001; gnomAD 0.00003 and 0.00001; gnomAD exomes 0.00013 and 0.00036; ExAC 0.00106.
gnomAD v4.1: 176 of 1,550,018 alleles (0.011%); highest among the groups gnomAD compares: South Asian, 0.2%; 4 homozygotes.

Submissions (2):

Labcorp Genetics (formerly Invitae), Labcorp
Classification: Likely benign for Progressive myoclonic epilepsy. Last evaluated: 2026-01-07. Review status: criteria provided, single submitter. Criteria: Invitae Variant Classification Sherloc (09022015). Collection method: clinical testing. Allele origin: germline.

Ambry Genetics
Classification: Uncertain significance for Inborn genetic diseases. Last evaluated: 2018-04-06. Review status: criteria provided, single submitter. Criteria: Ambry Variant Classification Scheme 2023. Collection method: clinical testing. Allele origin: germline.
Comment: The p.Q6R variant (also known as c.17A>G), located in coding exon 1 of the GOSR2 gene, results from an A to G substitution at nucleotide position 17. The glutamine at codon 6 is replaced by arginine, an amino acid with highly similar properties. Based on data from gnomAD, the G allele has an overall frequency of approximately 0.038% (56/147100) total alleles studied. The highest observed frequency was 0.24% (55/22820) of South Asian alleles.This amino acid position is highly conserved in available vertebrate species. In addition, this alteration is predicted to be tolerated by in silico analysis. Since supporting evidence is limited at this time, the clinical significance of this alteration remains unclear.

NM_004287.5(GOSR2):c.17A>G (p.Gln6Arg)

Genes: GOSR2 (golgi SNAP receptor complex member 2; plus strand), LRRC37A2 (leucine rich repeat containing 37 member A2). Cytogenetic location: 17q21.32.
Variant type: single nucleotide variant.
Coding change: c.17A>G on transcript NM_004287.5 (MANE Select); coding-DNA position 17, A replaced by G.
Protein change: p.Gln6Arg; replaces glutamine 6 with arginine.
Molecular consequence: missense variant. On other transcripts: 5 prime UTR variant (2), non-coding transcript variant (3).
Genome position (GRCh38, 1-based): chr17:46,923,209, A>G. VCF-style: chr17-46923209-A-G. GRCh37 (hg19) VCF-style: chr17-45000575-A-G.
Other names: c.17A>G, p.Gln6Arg (NM_001012511.3, NM_001321133.2, NM_001330252.2 and 4 more transcripts); c.-86A>G (NM_001321134.2); c.-449A>G (NM_001363851.2); short protein forms Q6R.
Identifiers: ClinVar variation 462913 (VCV000462913.13), dbSNP rs749270151, ClinGen allele CA8621101.